The following is an entry in ClinVar:

ClinVar aggregate classification (germline): Uncertain significance (1 of 4 stars; one submission).

Conditions:
FG syndrome 4 (FGS4). Identifiers: MedGen C1845546, MONDO:0010318, OMIM 300422.

Submission:

Neuberg Centre For Genomic Medicine, NCGM
Classification: Uncertain significance for FG syndrome 4. Review status: criteria provided, single submitter. Criteria: ACMG Guidelines, 2015. Collection method: clinical testing. Allele origin: germline. Affected: yes.
Comment: The missense variant p.S465C in CASK (NM_003688.3) has not been reported previously as a pathogenic variant nor as a benign variant, to our knowledge. The p.S465C variant is novel (not in any individuals) in gnomAD Exomes and is novel (not in any individuals) in 1000 Genomes. There is a moderate physicochemical difference between serine and cysteine. The p.S465C missense variant is predicted to be damaging by both SIFT and PolyPhen2. The serine residue at codon 465 of CASK is conserved in all mammalian species. The nucleotide c.1394 in CASK is predicted conserved by GERP++ and PhyloP across 100 vertebrates. For these reasons, this variant has been classified as Uncertain Significance.

NM_001367721.1(CASK):c.1394C>G (p.Ser465Cys)

Gene: CASK (calcium/calmodulin dependent serine protein kinase; minus strand). Cytogenetic location: Xp11.4.
Variant type: single nucleotide variant.
Coding change: c.1394C>G on transcript NM_001367721.1 (MANE Select); coding-DNA position 1394, C replaced by G.
Protein change: p.Ser465Cys; replaces serine 465 with cysteine.
Molecular consequence: missense variant.
Genome position (GRCh38, 1-based): chrX:41,578,449, G>C on the plus strand (C>G on the coding strand, the complement: CASK is on the minus strand). VCF-style: chrX-41578449-G-C. GRCh37 (hg19) VCF-style: chrX-41437702-G-C.
Other names: c.[1394C>G] (NM_003688.3); c.1394C>G, p.Ser465Cys (NM_001126054.3, NM_003688.4); c.1376C>G, p.Ser459Cys (NM_001126055.3, NM_001410745.1); short protein forms S459C, S465C.
Identifiers: ClinVar variation 1339225 (VCV001339225.4), dbSNP rs2147201432, ClinGen allele CA412997797.
Genomic context (GRCh38, chrX:41,578,449, plus strand): 5'-ACATTCTCCATATCCATGTCTCCGTTAGCACTTTCTGGAGAATCGCCGTTTAAATAGGGA[G>C]AGGTGGGAGGAGGTGTGACCCTCAATGCTTCATCACTGTAAACTTCATGTGCCACTACGT-3'
Protein context (NP_001354650.1, residues 455-475): EALRVTPPPT[Ser465Cys]PYLNGDSPES